The following is an entry in ClinVar:

NM_001376.5(DYNC1H1):c.7925G>A (p.Arg2642Lys)

Gene: DYNC1H1 (dynein cytoplasmic 1 heavy chain 1; plus strand). Cytogenetic location: 14q32.31.
Variant type: single nucleotide variant.
Coding change: c.7925G>A on transcript NM_001376.5 (MANE Select); coding-DNA position 7925, G replaced by A.
Protein change: p.Arg2642Lys; replaces arginine 2642 with lysine.
Molecular consequence: missense variant.
Genome position (GRCh38, 1-based): chr14:102,017,164, G>A. VCF-style: chr14-102017164-G-A. GRCh37 (hg19) VCF-style: chr14-102483501-G-A.
Other names: short protein forms R2642K.
Identifiers: ClinVar variation 1357088 (VCV001357088.8), dbSNP rs1336516693, ClinGen allele CA391003633.

ClinVar aggregate classification (germline): Uncertain significance (1 of 4 stars; one submission).

Conditions:
Charcot-Marie-Tooth disease axonal type 2O. Also called: Charcot-Marie-Tooth disease, axonal, type 20; CHARCOT-MARIE-TOOTH NEUROPATHY, AXONAL, TYPE 2O; CHARCOT-MARIE-TOOTH DISEASE, AXONAL, AUTOSOMAL DOMINANT, TYPE 2O; Charcot-Marie-Tooth Neuropathy Type 2O. Identifiers: Orphanet 284232, MedGen C3280220, MONDO:0013644, OMIM 614228.

gnomAD v4.1: 2 of 1,614,248 alleles (0.00012%); highest among the groups gnomAD compares: Non-Finnish European, 0.00017%; no homozygotes.

Submission:

Labcorp Genetics (formerly Invitae), Labcorp
Classification: Uncertain significance for Charcot-Marie-Tooth disease axonal type 2O. Last evaluated: 2021-05-29. Review status: criteria provided, single submitter. Criteria: Invitae Variant Classification Sherloc (09022015). Collection method: clinical testing. Allele origin: germline.
Comment: In summary, the available evidence is currently insufficient to determine the role of this variant in disease. Therefore, it has been classified as a Variant of Uncertain Significance. Advanced modeling of protein sequence and biophysical properties (such as structural, functional, and spatial information, amino acid conservation, physicochemical variation, residue mobility, and thermodynamic stability) performed at Invitae indicates that this missense variant is not expected to disrupt DYNC1H1 protein function. This variant has not been reported in the literature in individuals with DYNC1H1-related conditions. This variant is not present in population databases (ExAC no frequency). This sequence change replaces arginine with lysine at codon 2642 of the DYNC1H1 protein (p.Arg2642Lys). The arginine residue is highly conserved and there is a small physicochemical difference between arginine and lysine.